The following is an entry in ClinVar:

NM_000520.6(HEXA):c.1312G>T (p.Glu438Ter)

Gene: HEXA (hexosaminidase subunit alpha; minus strand). Cytogenetic location: 15q23.
Variant type: single nucleotide variant.
Coding change: c.1312G>T on transcript NM_000520.6 (MANE Select); coding-DNA position 1312, G replaced by T.
Protein change: p.Glu438Ter; replaces glutamic acid 438 with a stop codon.
Molecular consequence: nonsense.
Genome position (GRCh38, 1-based): chr15:72,346,545, C>A on the plus strand (G>T on the coding strand, the complement: HEXA is on the minus strand). VCF-style: chr15-72346545-C-A. GRCh37 (hg19) VCF-style: chr15-72638886-C-A.
Other names: c.1345G>T, p.Glu449Ter (NM_001318825.2); short protein forms E438*, E449*.
Identifiers: ClinVar variation 5013054 (VCV005013054.1).

ClinVar aggregate classification (germline): Pathogenic (1 of 4 stars; one submission).

Conditions:
Tay-Sachs disease (TSD). Also called: HEXA DEFICIENCY; GM2 gangliosidosis, type 1; Hexosaminidase alpha-subunit deficiency (variant B); Sphingolipidosis, Tay-Sachs; Hexosaminidase A Deficiency; HEXA Disorders. Identifiers: Orphanet 845, MedGen C0039373, MONDO:0010100, OMIM 272800.

gnomAD v4.1: 1 of 1,613,994 alleles (0.000062%); highest among the groups gnomAD compares: Non-Finnish European, 0.000085%; no homozygotes.

Submission:

Myriad Genetics, Inc.
Classification: Pathogenic for Tay-Sachs disease. Last evaluated: 2024-05-14. Review status: criteria provided, single submitter. Criteria: Myriad Autosomal Dominant, Autosomal Recessive and X-Linked Classification Criteria (2023). Collection method: clinical testing. Allele origin: unknown.
Comment: NM_000520.4(HEXA):c.1312G>T(E438*) is expected to be pathogenic in the context of hexosaminidase A deficiency. This variant is predicted to lead to an abnormal or absent protein product due to the creation of a premature termination codon in HEXA, a gene where loss-of-function variants are known to be pathogenic. Please note: this variant was assessed in the context of healthy population screening.